The following is an entry in ClinVar:

NM_001165963.4(SCN1A):c.5264A>G (p.Asp1755Gly)

Genes: SCN1A (sodium voltage-gated channel alpha subunit 1; minus strand), LOC102724058 (uncharacterized LOC102724058; plus strand). Cytogenetic location: 2q24.3.
Variant type: single nucleotide variant.
Coding change: c.5264A>G on transcript NM_001165963.4 (MANE Select); coding-DNA position 5264, A replaced by G.
Protein change: p.Asp1755Gly; replaces aspartic acid 1755 with glycine.
Molecular consequence: missense variant. On other transcripts: non-coding transcript variant (1).
Genome position (GRCh38, 1-based): chr2:165,992,011, T>C on the plus strand (A>G on the coding strand, the complement: SCN1A is on the minus strand). VCF-style: chr2-165992011-T-C. GRCh37 (hg19) VCF-style: chr2-166848521-T-C.
Other names: c.5180A>G, p.Asp1727Gly (NM_001165964.3, NM_001353957.2, NM_001353958.2); c.5264A>G, p.Asp1755Gly (NM_001202435.3, NM_001353948.2); c.5231A>G, p.Asp1744Gly (NM_001353949.2, NM_001353950.2, NM_001353951.2 and 2 more transcripts); c.5228A>G, p.Asp1743Gly (NM_001353954.2, NM_001353955.2); c.5177A>G, p.Asp1726Gly (NM_001353960.2); c.2822A>G, p.Asp941Gly (NM_001353961.2); short protein forms D1744G, D1755G, D1726G, D1727G, D1743G, D941G.
Identifiers: ClinVar variation 189876 (VCV000189876.1), dbSNP rs794726722, ClinGen allele CA303182.
Genomic context (GRCh38, chr2:165,992,011, plus strand): 5'-AGGAAGGATATGATGATGTAACTGACAAAAAAGAAAATTCCAACAGATGGGTTCCCACAG[T>C]CTCCCTTAACTGAGCTTCCAGGGTTAACTTTATTAGGGTCACAGTCGGGTGGCTTACTGT-3'
Protein context (NP_001159435.1, residues 1745-1765): KVNPGSSVKG[Asp1755Gly]CGNPSVGIFF

ClinVar aggregate classification (germline): Pathogenic (1 of 4 stars; one submission).

Conditions:
Severe myoclonic epilepsy in infancy (DRVT). Also called: Epileptic encephalopathy, early infantile, 6 (Dravet syndrome); SEVERE MYOCLONIC EPILEPSY OF INFANCY; DEVELOPMENTAL AND EPILEPTIC ENCEPHALOPATHY 6A; Severe Myoclonic Epilepsy in Infancy (SMEI); Dravet syndrome. Identifiers: Orphanet 33069, MedGen C0751122, MONDO:0100135, OMIM 607208.

Submission:

Center for Bioinformatics, Peking University
Classification: Pathogenic for Dravet syndrome. Last evaluated: 2014-12-20. Review status: criteria provided, single submitter. Criteria: Xu et al. (Hum Mutat. 2015). Collection method: research. Allele origin: de novo. Affected: yes. Observed: 2 variant alleles. Study: University Clinical Cooperation “985 Project” PKU-2014-1-1.
Comment: Dravet syndrome (DS) probands were recruited from the outpatient and inpatient child neurology units of Peking University First Hospital from 2005 till present. The study was approved by the Ethics Committee of Peking University First Hospital and the Institutional Review Board at Peking University. Participants or their parents provided written informed consent before enrollment. We collected a total of 267 mutations from 255 families with probands diagnosed with DS in China. All probands fulfilled the clinical diagnostic criteria.